The following is an entry in ClinVar:

ClinVar aggregate classification (germline): Uncertain significance (1 of 4 stars; one submission).

Submission:

GeneDx
Classification: Uncertain significance. Last evaluated: 2019-04-03. Review status: criteria provided, single submitter. Criteria: GeneDx Variant Classification Process June 2021. Collection method: clinical testing. Allele origin: germline. Affected: yes.
Comment: Not observed in large population cohorts (Lek et al., 2016); Has not been previously published as pathogenic or benign to our knowledge; In-silico splice prediction models predict that c.-1_2delCAT, located in the 5 prime untranslated region of the PPP2CA gene, does not impact splicing and does not impact the ATG start codon. In the absence of RNA/functional studies, the actual effect of this sequence change is unknown.

NM_002715.4(PPP2CA):c.-4CAT[1] (p.Met1del)

Gene: PPP2CA (protein phosphatase 2 catalytic subunit alpha; minus strand). Cytogenetic location: 5q31.1.
Variant type: Microsatellite.
Coding change: c.-4CAT[1] on transcript NM_002715.4 (MANE Select); one copy of the 3-base unit CAT starting at c.-4; the reference has two copies in a row; one copy, 3 bases deleted.
Protein change: p.Met1del; deletes methionine 1.
Molecular consequence: inframe deletion, initiator codon variant.
Genome position (GRCh38, 1-based): chr5:134,225,860-134,225,862, ATG deleted on the plus strand (CAT on the coding strand, the reverse complement: PPP2CA is on the minus strand); deleting any 3 consecutive bases within chr5:134,225,860-134,225,865 gives the same sequence; the position shown is the placement nearest the transcript's 3' end. VCF-style (leftmost placement, unchanged base first): chr5-134225859-CATG-C. GRCh37 (hg19) VCF-style: chr5-133561550-CATG-C.
Other names: short protein forms M1del.
Identifiers: ClinVar variation 1305043 (VCV001305043.3), dbSNP rs2149390367, ClinGen allele CA2580613666.
Genomic context (GRCh38, chr5:134,225,859, plus strand): 5'-CTTGCACTCGTTCAGCTGCTCGATCCACTGGTCCAGCTCCTTGGTGAACACCTTCTCGTC[CATG>C]ATGCCACCCGCCCCAGCCGGCTGCCGCTCCGCGCTGCTCCCGCGCCGCCGCCCGCACACG-3'